The following is an entry in ClinVar:

NM_002439.5(MSH3):c.282T>A (p.Asp94Glu)

Gene: MSH3 (mutS homolog 3; plus strand). Cytogenetic location: 5q14.1.
Variant type: single nucleotide variant.
Coding change: c.282T>A on transcript NM_002439.5 (MANE Select); coding-DNA position 282, T replaced by A.
Protein change: p.Asp94Glu; replaces aspartic acid 94 with glutamic acid.
Molecular consequence: missense variant.
Genome position (GRCh38, 1-based): chr5:80,656,455, T>A. VCF-style: chr5-80656455-T-A. GRCh37 (hg19) VCF-style: chr5-79952274-T-A.
Other names: short protein forms D94E.
Identifiers: ClinVar variation 641817 (VCV000641817.19), dbSNP rs1017222595, ClinGen allele CA121288529.

ClinVar aggregate classification (germline): Uncertain significance. Review status: criteria provided, multiple submitters, no conflicts (2 of 4 stars). 6 submissions from 6 submitters: Uncertain significance (6). Last evaluated 2025-09-28.

Conditions:
Hereditary cancer-predisposing syndrome. Also called: Hereditary neoplastic syndrome; Hereditary Cancer Syndrome; Tumor predisposition; Neoplastic Syndromes, Hereditary. Identifiers: Orphanet 140162, MedGen C0027672, MeSH D009386, MONDO:0015356.
Endometrial carcinoma. Also called: Endometrial carcinoma, somatic. Identifiers: MedGen C0476089, MONDO:0002447, OMIM 608089, HP:0012114.

Allele frequency attached by ClinVar (database versions not stated): gnomAD exomes below 0.00001 and 0.00001; gnomAD 0.00001; TOPMed 0.00001.
gnomAD v4.1: 5 of 1,614,044 alleles (0.00031%); highest among the groups gnomAD compares: Admixed American, 0.0083%; no homozygotes.

Submissions (6):

Labcorp Genetics (formerly Invitae), Labcorp
Classification: Uncertain significance. Last evaluated: 2025-09-28. Review status: criteria provided, single submitter. Criteria: Invitae Variant Classification Sherloc (09022015). Collection method: clinical testing. Allele origin: germline.
Comment: This sequence change replaces aspartic acid, which is acidic and polar, with glutamic acid, which is acidic and polar, at codon 94 of the MSH3 protein (p.Asp94Glu). This variant is present in population databases (no rsID available, gnomAD 0.003%). This variant has not been reported in the literature in individuals affected with MSH3-related conditions. ClinVar contains an entry for this variant (Variation ID: 641817). An algorithm developed to predict the effect of missense changes on protein structure and function outputs the following: PolyPhen-2: "Benign". The glutamic acid amino acid residue is found in multiple mammalian species, which suggests that this missense change does not adversely affect protein function. In summary, the available evidence is currently insufficient to determine the role of this variant in disease. Therefore, it has been classified as a Variant of Uncertain Significance.

Ambry Genetics
Classification: Uncertain significance for Hereditary cancer-predisposing syndrome. Last evaluated: 2025-03-24. Review status: criteria provided, single submitter. Criteria: Ambry Variant Classification Scheme 2023. Collection method: clinical testing. Allele origin: germline.
Comment: The p.D94E variant (also known as c.282T>A), located in coding exon 2 of the MSH3 gene, results from a T to A substitution at nucleotide position 282. The aspartic acid at codon 94 is replaced by glutamic acid, an amino acid with highly similar properties. This amino acid position is not well conserved in available vertebrate species. In addition, this alteration is predicted to be tolerated by in silico analysis. Since supporting evidence is limited at this time, the clinical significance of this alteration remains unclear.

Quest Diagnostics Nichols Institute San Juan Capistrano
Classification: Uncertain significance. Last evaluated: 2025-01-31. Review status: criteria provided, single submitter. Criteria: Quest Diagnostics criteria. Collection method: clinical testing. Allele origin: unknown.
Comment: The MSH3 c.282T>A (p.Asp94Glu) variant has not been reported in individuals with MSH3-related conditions in the published literature. The frequency of this variant in the general population (Genome Aggregation Database) is uninformative in the assessment of its pathogenicity. Analysis of this variant using bioinformatics tools for the prediction of the effect of amino acid changes on protein structure and function yielded predictions that this variant is benign. Based on the available information, we are unable to determine the clinical significance of this variant.

GeneDx
Classification: Uncertain significance. Last evaluated: 2024-09-03. Review status: criteria provided, single submitter. Criteria: GeneDx Variant Classification Process June 2021. Collection method: clinical testing. Allele origin: germline. Affected: yes.
Comment: Not observed at significant frequency in large population cohorts (gnomAD); In silico analysis indicates that this missense variant does not alter protein structure/function; Has not been previously published as pathogenic or benign to our knowledge

Baylor Genetics
Classification: Uncertain significance for Endometrial carcinoma. Last evaluated: 2023-12-22. Review status: criteria provided, single submitter. Criteria: ACMG Guidelines, 2015. Collection method: clinical testing. Allele origin: unknown.

Blueprint Genetics
Classification: Uncertain significance. Last evaluated: 2022-11-14. Review status: criteria provided, single submitter. Criteria: ACMG Guidelines, 2015. Collection method: clinical testing. Allele origin: germline.